The following is an entry in ClinVar:

ClinVar aggregate classification (germline): Conflicting classifications of pathogenicity. Review status: criteria provided, conflicting classifications (1 of 4 stars). 6 submissions from 6 submitters: Uncertain significance (4); Likely benign (1). 1 of the submissions does not count toward it. Last evaluated 2026-09-01.

Conditions:
ATP7A-related disorder. Also called: ATP7A-related condition.
Cutis laxa, X-linked (OHS). Also called: EDS IX; Occipital horn syndrome. Identifiers: Orphanet 198, MedGen C0268353, MONDO:0010572, OMIM 304150.
X-linked distal spinal muscular atrophy type 3. Also called: ATP7A-Related Distal Motor Neuropathy; SPINAL MUSCULAR ATROPHY, DISTAL, X-LINKED RECESSIVE; NEURONOPATHY, DISTAL HEREDITARY MOTOR, X-LINKED; NEUROPATHY, DISTAL HEREDITARY MOTOR, X-LINKED. Identifiers: Orphanet 139557, MedGen C1845359, MONDO:0010338, OMIM 300489.
Menkes kinky-hair syndrome (MNK). Also called: Menkes Disease; Copper transport disease; Classic Menkes Disease. Identifiers: Orphanet 565, MedGen C0022716, MONDO:0010651, OMIM 309400.

Allele frequency attached by ClinVar (database versions not stated): gnomAD exomes 0.00001 and 0.00002; gnomAD 0.00002.

Submissions (6):

GeneDx
Classification: Uncertain significance. Last evaluated: 2026-09-01. Review status: criteria provided, single submitter. Criteria: GeneDx Variant Classification Process June 2021. Collection method: clinical testing. Allele origin: germline.
Comment: Has not been previously published as pathogenic or benign in association with a ATP7A-related disorder to our knowledge; Not observed at significant frequency in large population cohorts (gnomAD); In silico analysis supports that this missense variant has a deleterious effect on protein structure/function; This variant is associated with the following publications: (PMID: 38707809)

Labcorp Genetics (formerly Invitae), Labcorp
Classification: Likely benign for X-linked distal spinal muscular atrophy type 3; Cutis laxa, X-linked; Menkes kinky-hair syndrome. Last evaluated: 2025-12-22. Review status: criteria provided, single submitter. Criteria: Invitae Variant Classification Sherloc (09022015). Collection method: clinical testing. Allele origin: germline.

Mayo Clinic Laboratories, Mayo Clinic
Classification: Uncertain significance. Last evaluated: 2023-04-25. Review status: criteria provided, single submitter. Criteria: ACMG Guidelines, 2015. Collection method: clinical testing. Allele origin: germline. Observed: 1 variant allele.

PreventionGenetics, part of Exact Sciences
Classification: Uncertain significance for ATP7A-related condition. Last evaluated: 2022-12-06. Review status: criteria provided, single submitter. Criteria: ACMG Guidelines, 2015. Collection method: clinical testing. Allele origin: germline.
Comment: The ATP7A c.1019C>T variant is predicted to result in the amino acid substitution p.Pro340Leu. To our knowledge, this variant has not been reported in the literature. This variant is reported in 0.0012% of alleles in individuals of European (Non-Finnish) descent in gnomAD. At this time, the clinical significance of this variant is uncertain due to the absence of conclusive functional and genetic evidence.

Laboratory of Medical Genetics, University of Torino
Classification: Uncertain significance for Menkes kinky-hair syndrome. Last evaluated: 2022-11-29. Review status: criteria provided, single submitter. Criteria: ACMG Guidelines, 2015. Collection method: research. Allele origin: germline. Affected: yes. Study: NeuroWES.

Natera, Inc.
Classification: Uncertain significance for Menkes kinky hair syndrome. Last evaluated: 2020-02-11. Review status: no assertion criteria provided. Collection method: clinical testing. Allele origin: germline. Not counted in ClinVar's aggregate classification.

NM_000052.7(ATP7A):c.1019C>T (p.Pro340Leu)

Gene: ATP7A (ATPase copper transporting alpha; plus strand). Cytogenetic location: Xq21.1.
Variant type: single nucleotide variant.
Coding change: c.1019C>T on transcript NM_000052.7 (MANE Select); coding-DNA position 1019, C replaced by T.
Protein change: p.Pro340Leu; replaces proline 340 with leucine.
Molecular consequence: missense variant.
Genome position (GRCh38, 1-based): chrX:77,989,641, C>T. VCF-style: chrX-77989641-C-T. GRCh37 (hg19) VCF-style: chrX-77245137-C-T.
Other names: p.Pro340Leu; c.1019C>T, p.Pro340Leu (NM_001282224.2); c.1019C>T (NM_000052.6); short protein forms P340L.
Identifiers: ClinVar variation 1210898 (VCV001210898.14), dbSNP rs1557231845, ClinGen allele CA413601635.